The following is an entry in ClinVar:

ClinVar aggregate classification (germline): Likely benign (0 of 4 stars; one submission).

Conditions:
HIVEP3-related disorder. Also called: HIVEP3-related condition.

Allele frequency attached by ClinVar (database versions not stated): TOPMed 0.00002.
gnomAD v4.1: 5 of 1,614,162 alleles (0.00031%); highest among the groups gnomAD compares: Non-Finnish European, 0.00025%; no homozygotes.

Submission:

PreventionGenetics, part of Exact Sciences
Classification: Likely benign for HIVEP3-related condition. Last evaluated: 2019-06-11. Review status: no assertion criteria provided. Collection method: clinical testing. Allele origin: germline.
Comment: This variant is classified as likely benign based on ACMG/AMP sequence variant interpretation guidelines (Richards et al. 2015 PMID: 25741868, with internal and published modifications).

NM_024503.5(HIVEP3):c.4323C>T (p.Thr1441=)

Gene: HIVEP3 (HIVEP zinc finger 3; minus strand). Cytogenetic location: 1p34.2.
Variant type: single nucleotide variant.
Coding change: c.4323C>T on transcript NM_024503.5 (MANE Select); coding-DNA position 4323, C replaced by T.
Protein change: p.Thr1441=; no amino-acid change (threonine 1441 retained).
Molecular consequence: synonymous variant.
Genome position (GRCh38, 1-based): chr1:41,580,475, G>A on the plus strand (C>T on the coding strand, the complement: HIVEP3 is on the minus strand). VCF-style: chr1-41580475-G-A. GRCh37 (hg19) VCF-style: chr1-42046146-G-A.
Other names: c.4323C>T, p.Thr1441= (NM_001127714.3).
Identifiers: ClinVar variation 3033606 (VCV003033606.2), dbSNP rs1322674051, ClinGen allele CA417538473.